The following is an entry in ClinVar:

ClinVar aggregate classification (germline): Benign. Review status: criteria provided, multiple submitters, no conflicts (2 of 4 stars). 2 submissions from 2 submitters: Benign (2). Last evaluated 2018-06-19.

Allele frequency attached by ClinVar (database versions not stated): 1000 Genomes Project 0.04333; 1000 Genomes Project 30x 0.04357; gnomAD 0.05266; gnomAD exomes 0.06886; TOPMed 0.05851.

Submissions (2):

GeneDx
Classification: Benign. Last evaluated: 2018-06-19. Review status: criteria provided, single submitter. Criteria: GeneDx Variant Classification (06012015). Collection method: clinical testing. Allele origin: germline. Affected: yes.
Comment: This variant is considered likely benign or benign based on one or more of the following criteria: it is a conservative change, it occurs at a poorly conserved position in the protein, it is predicted to be benign by multiple in silico algorithms, and/or has population frequency not consistent with disease.

Breakthrough Genomics
Classification: Benign. Review status: criteria provided, single submitter. Criteria: ACMG Guidelines, 2015. Collection method: not provided. Allele origin: germline. Inheritance: Autosomal recessive inheritance. Affected: yes.

NM_033087.3(ALG2):c.-202C>G

Genes: ALG2 (ALG2 alpha-1,3/1,6-mannosyltransferase; minus strand), LOC130002229 (ATAC-STARR-seq lymphoblastoid active region 28702; plus strand). Cytogenetic location: 9q22.33.
Variant type: single nucleotide variant.
Coding change: c.-202C>G on transcript NM_033087.3; 202 bases upstream of the start codon, C replaced by G.
Genome position (GRCh38, 1-based): chr9:99,222,096, G>C on the plus strand (C>G on the coding strand, the complement: ALG2 is on the minus strand). VCF-style: chr9-99222096-G-C. GRCh37 (hg19) VCF-style: chr9-101984378-G-C.
Identifiers: ClinVar variation 676239 (VCV000676239.4), dbSNP rs41274648, ClinGen allele CA13054505.